The following is an entry in ClinVar:

NM_020433.5(JPH2):c.1778A>G (p.Glu593Gly)

Gene: JPH2 (junctophilin 2; minus strand). Cytogenetic location: 20q13.12.
Variant type: single nucleotide variant.
Coding change: c.1778A>G on transcript NM_020433.5 (MANE Select); coding-DNA position 1778, A replaced by G.
Protein change: p.Glu593Gly; replaces glutamic acid 593 with glycine.
Molecular consequence: missense variant.
Genome position (GRCh38, 1-based): chr20:44,115,897, T>C on the plus strand (A>G on the coding strand, the complement: JPH2 is on the minus strand). VCF-style: chr20-44115897-T-C. GRCh37 (hg19) VCF-style: chr20-42744537-T-C.
Other names: short protein forms E593G.
Identifiers: ClinVar variation 576981 (VCV000576981.14), dbSNP rs1569180881, ClinGen allele CA409099941.
Genomic context (GRCh38, chr20:44,115,897, plus strand): 5'-TCGGGGCCTCGGAGCGTGGGGGCCTGCAGCGGGGCGGTGGCCGGGGACGAGGGCGCGGAC[T>C]CGGACCCGGAGACCTCGGGCTCGGGCTGGTCCTCAAAGGGTGGGGGCTCGGGCGGCGTGG-3'
Protein context (NP_065166.2, residues 583-603): DQPEPEVSGS[Glu593Gly]SAPSSPATAP

ClinVar aggregate classification (germline): Uncertain significance. Review status: criteria provided, multiple submitters, no conflicts (2 of 4 stars). 2 submissions from 2 submitters: Uncertain significance (2). Last evaluated 2025-10-15.

Conditions:
Cardiovascular phenotype. Identifiers: MedGen CN230736.
Hypertrophic cardiomyopathy. Also called: HYPERTROPHIC MYOCARDIOPATHY. Identifiers: Orphanet 217569, MedGen C0007194, MeSH D002312, MONDO:0005045, HP:0001639.

Allele frequency attached by ClinVar (database versions not stated): gnomAD exomes below 0.00001.
gnomAD v4.1: 2 of 1,576,994 alleles (0.00013%); highest among the groups gnomAD compares: Non-Finnish European, 0.00017%; no homozygotes.

Submissions (2):

Labcorp Genetics (formerly Invitae), Labcorp
Classification: Uncertain significance for Hypertrophic cardiomyopathy. Last evaluated: 2025-10-15. Review status: criteria provided, single submitter. Criteria: Invitae Variant Classification Sherloc (09022015). Collection method: clinical testing. Allele origin: germline.
Comment: This sequence change replaces glutamic acid, which is acidic and polar, with glycine, which is neutral and non-polar, at codon 593 of the JPH2 protein (p.Glu593Gly). This variant is not present in population databases (gnomAD no frequency). This variant has not been reported in the literature in individuals affected with JPH2-related conditions. ClinVar contains an entry for this variant (Variation ID: 576981). An algorithm developed to predict the effect of missense changes on protein structure and function (PolyPhen-2) suggests that this variant is likely to be tolerated. In summary, the available evidence is currently insufficient to determine the role of this variant in disease. Therefore, it has been classified as a Variant of Uncertain Significance.

Ambry Genetics
Classification: Uncertain significance for Cardiovascular phenotype. Last evaluated: 2025-08-23. Review status: criteria provided, single submitter. Criteria: Ambry Variant Classification Scheme 2023. Collection method: clinical testing. Allele origin: germline.